The following is an entry in ClinVar:

NM_020821.3(VPS13C):c.4692_4697del (p.Ser1565_Ser1566del)

Gene: VPS13C (vacuolar protein sorting 13 homolog C; minus strand). Cytogenetic location: 15q22.2.
Variant type: Deletion.
Coding change: c.4692_4697del on transcript NM_020821.3 (MANE Select); coding-DNA positions 4692 to 4697, 6 bases deleted (CTCTTC; older notation c.4692_4697delCTCTTC).
Protein change: p.Ser1565_Ser1566del.
Molecular consequence: inframe deletion.
Genome position (GRCh38, 1-based): chr15:61,949,505-61,949,510, GAAGAG deleted on the plus strand (CTCTTC on the coding strand, the reverse complement: VPS13C is on the minus strand); deleting any 6 consecutive bases within chr15:61,949,505-61,949,514 gives the same sequence; the c. name uses the placement nearest the transcript's 3' end. VCF-style (leftmost placement, unchanged base first): chr15-61949504-AGAAGAG-A. GRCh37 (hg19) VCF-style: chr15-62241703-AGAAGAG-A.
Other names: c.4692_4697del, p.Ser1565_Ser1566del (NM_001018088.3); c.4563_4568del, p.Ser1522_Ser1523del (NM_017684.5, NM_018080.4).
Identifiers: ClinVar variation 3905242 (VCV003905242.10).
Genomic context (GRCh38, chr15:61,949,504, plus strand): 5'-AGCTTTGACAGCGATACTTCTGGACTCCCCCACAAGTGGTTTCAGCTCGGATTCCTTCTC[AGAAGAG>A]GAAGGCTCAGAGAATGGAGCAGCAGATGATAAAAAATCCATGAAGGAAAGTAAAGCTTCC-3'

ClinVar aggregate classification (germline): Uncertain significance (1 of 4 stars; one submission).

Submission:

CeGaT Center for Human Genetics Tuebingen
Classification: Uncertain significance. Last evaluated: 2025-05-01. Review status: criteria provided, single submitter. Criteria: CeGaT Center For Human Genetics Tuebingen Variant Classification Criteria Version 2. Collection method: clinical testing. Allele origin: germline. Affected: yes. Observed: 1 variant allele.
Comment: VPS13C: PM2, PM4